The following is an entry in ClinVar:

NM_053025.4(MYLK):c.2809A>C (p.Thr937Pro)

Gene: MYLK (myosin light chain kinase; minus strand). Cytogenetic location: 3q21.1.
Variant type: single nucleotide variant.
Coding change: c.2809A>C on transcript NM_053025.4 (MANE Select); coding-DNA position 2809, A replaced by C.
Protein change: p.Thr937Pro; replaces threonine 937 with proline.
Molecular consequence: missense variant.
Genome position (GRCh38, 1-based): chr3:123,700,659, T>G on the plus strand (A>C on the coding strand, the complement: MYLK is on the minus strand). VCF-style: chr3-123700659-T-G. GRCh37 (hg19) VCF-style: chr3-123419506-T-G.
Other names: c.2281A>C, p.Thr761Pro (NM_001321309.2); c.2602A>C, p.Thr868Pro (NM_053026.4, NM_053028.4); c.2809A>C, p.Thr937Pro (NM_053027.4); short protein forms T868P, T761P, T937P.
Identifiers: ClinVar variation 4825145 (VCV004825145.1).

ClinVar aggregate classification (germline): Uncertain significance (1 of 4 stars; one submission).

Conditions:
Familial thoracic aortic aneurysm and aortic dissection (TAAD). Also called: Thoracic aortic aneurysms and dissections. Identifiers: Orphanet 91387, MedGen C4707243, MONDO:0019625.

Submission:

Ambry Genetics
Classification: Uncertain significance for Familial thoracic aortic aneurysm and aortic dissection. Last evaluated: 2026-01-24. Review status: criteria provided, single submitter. Criteria: Ambry Variant Classification Scheme 2023. Collection method: clinical testing. Allele origin: germline.
Comment: The p.T937P variant (also known as c.2809A>C), located in coding exon 15 of the MYLK gene, results from an A to C substitution at nucleotide position 2809. The threonine at codon 937 is replaced by proline, an amino acid with highly similar properties. This amino acid position is conserved. In addition, this alteration is predicted to be tolerated by in silico analysis. Based on the available evidence, the clinical significance of this variant remains unclear.